The following is an entry in ClinVar:

ClinVar aggregate classification (germline): Uncertain significance (1 of 4 stars; one submission).

Conditions:
Progressive familial heart block type IB (PFHB1B). Identifiers: Orphanet 871, MedGen C1970298, MONDO:0011474, OMIM 604559.

Submission:

Labcorp Genetics (formerly Invitae), Labcorp
Classification: Uncertain significance for Progressive familial heart block type IB. Last evaluated: 2024-02-16. Review status: criteria provided, single submitter. Criteria: Invitae Variant Classification Sherloc (09022015). Collection method: clinical testing. Allele origin: germline.
Comment: This sequence change replaces valine, which is neutral and non-polar, with glutamic acid, which is acidic and polar, at codon 787 of the TRPM4 protein (p.Val787Glu). This variant is not present in population databases (gnomAD no frequency). This variant has not been reported in the literature in individuals affected with TRPM4-related conditions. An algorithm developed to predict the effect of missense changes on protein structure and function (PolyPhen-2) suggests that this variant is likely to be disruptive. In summary, the available evidence is currently insufficient to determine the role of this variant in disease. Therefore, it has been classified as a Variant of Uncertain Significance.

NM_017636.4(TRPM4):c.2360T>A (p.Val787Glu)

Gene: TRPM4 (transient receptor potential cation channel subfamily M member 4; plus strand). Cytogenetic location: 19q13.33.
Variant type: single nucleotide variant.
Coding change: c.2360T>A on transcript NM_017636.4 (MANE Select); coding-DNA position 2360, T replaced by A.
Protein change: p.Val787Glu; replaces valine 787 with glutamic acid.
Molecular consequence: missense variant. On other transcripts: intron variant (1).
Genome position (GRCh38, 1-based): chr19:49,196,589, T>A. VCF-style: chr19-49196589-T-A. GRCh37 (hg19) VCF-style: chr19-49699846-T-A.
Other names: c.2015T>A, p.Val672Glu (NM_001321281.2); c.752T>A, p.Val251Glu (NM_001321282.2); c.1838T>A, p.Val613Glu (NM_001321283.2); c.1298T>A, p.Val433Glu (NM_001321285.2); c.2211-3711T>A (NM_001195227.2); short protein forms V613E, V251E, V787E, V433E, V672E.
Identifiers: ClinVar variation 3641169 (VCV003641169.2).